The following is an entry in ClinVar:

NM_001211.6(BUB1B):c.2495G>A (p.Cys832Tyr)

Gene: BUB1B (BUB1 mitotic checkpoint serine/threonine kinase B; plus strand). Cytogenetic location: 15q15.1.
Variant type: single nucleotide variant.
Coding change: c.2495G>A on transcript NM_001211.6 (MANE Select); coding-DNA position 2495, G replaced by A.
Protein change: p.Cys832Tyr; replaces cysteine 832 with tyrosine.
Molecular consequence: missense variant.
Genome position (GRCh38, 1-based): chr15:40,212,608, G>A. VCF-style: chr15-40212608-G-A. GRCh37 (hg19) VCF-style: chr15-40504809-G-A.
Other names: short protein forms C832Y.
Identifiers: ClinVar variation 3221394 (VCV003221394.3), dbSNP rs2542575573, ClinGen allele CA391695464.
Genomic context (GRCh38, chr15:40,212,608, plus strand): 5'-AGGAACGTTTAAATGAAGATTTTGATCATTTTTGCAGCTGTTATCAATATCAAGATGGCT[G>A]TATTGTTTGGCACCAATATATAAACTGCTTCACCCTTCAGGTCTGTAATACTAAAAACAT-3'
Protein context (NP_001202.5, residues 822-842): FCSCYQYQDG[Cys832Tyr]IVWHQYINCF

ClinVar aggregate classification (germline): Uncertain significance. Review status: criteria provided, multiple submitters, no conflicts (2 of 4 stars). 2 submissions from 2 submitters: Uncertain significance (2). Last evaluated 2024-09-10.

Conditions:
Mosaic variegated aneuploidy syndrome 1 (MVA1). Also called: Warburton-Anyane-Yeboa syndrome. Identifiers: Orphanet 1052, MedGen C1850343, MONDO:0009759, OMIM 257300.
Inborn genetic diseases. Identifiers: MedGen C0950123, MeSH D030342.

gnomAD v4.1: 1 of 1,613,568 alleles (0.000062%); no homozygotes.

Submissions (2):

Labcorp Genetics (formerly Invitae), Labcorp
Classification: Uncertain significance for Mosaic variegated aneuploidy syndrome 1. Last evaluated: 2024-09-10. Review status: criteria provided, single submitter. Criteria: Invitae Variant Classification Sherloc (09022015). Collection method: clinical testing. Allele origin: germline.
Comment: This sequence change replaces cysteine, which is neutral and slightly polar, with tyrosine, which is neutral and polar, at codon 832 of the BUB1B protein (p.Cys832Tyr). This variant is not present in population databases (gnomAD no frequency). This variant has not been reported in the literature in individuals affected with BUB1B-related conditions. An algorithm developed to predict the effect of missense changes on protein structure and function outputs the following: PolyPhen-2: "Benign". The tyrosine amino acid residue is found in multiple mammalian species, which suggests that this missense change does not adversely affect protein function. In summary, the available evidence is currently insufficient to determine the role of this variant in disease. Therefore, it has been classified as a Variant of Uncertain Significance.

Ambry Genetics
Classification: Uncertain significance for Inborn genetic diseases. Last evaluated: 2024-02-13. Review status: criteria provided, single submitter. Criteria: Ambry Variant Classification Scheme 2023. Collection method: clinical testing. Allele origin: germline.
Comment: The p.C832Y variant (also known as c.2495G>A), located in coding exon 19 of the BUB1B gene, results from a G to A substitution at nucleotide position 2495. The cysteine at codon 832 is replaced by tyrosine, an amino acid with highly dissimilar properties. This amino acid position is conserved. In addition, this alteration is predicted to be tolerated by in silico analysis. Based on the available evidence, the clinical significance of this alteration remains unclear.